The following is an entry in ClinVar:

NM_007254.4(PNKP):c.113del (p.Leu38fs)

Gene: PNKP (polynucleotide kinase 3'-phosphatase; minus strand). Cytogenetic location: 19q13.33.
Variant type: Deletion.
Coding change: c.113del on transcript NM_007254.4 (MANE Select); coding-DNA position 113, one base deleted (T; older notation c.113delT).
Protein change: p.Leu38fs; shifts the reading frame from leucine 38.
Molecular consequence: frameshift variant.
Genome position (GRCh38, 1-based): chr19:49,867,092, A deleted on the plus strand (T on the coding strand, the reverse complement: PNKP is on the minus strand). VCF-style (leftmost placement, unchanged base first): chr19-49867091-CA-C. GRCh37 (hg19) VCF-style: chr19-50370348-CA-C.
Other names: short protein forms L38fs.
Identifiers: ClinVar variation 1951839 (VCV001951839.7), dbSNP rs1433969585, ClinGen allele CA633651444.
Genomic context (GRCh38, chr19:49,867,091, plus strand): 5'-CCTCCAGCTCAGGCCCCGCTCACCTTGAGTTCTGGAGCACTTCCGGTCCGTAACCTGGGT[CA>C]GGGGTCCCCTGCCCAGGACCAGGGCTTGCCCGTCCGAGGGCAGGAAGATGGGGGGCGCTC-3'

ClinVar aggregate classification (germline): Pathogenic/Likely pathogenic. Review status: criteria provided, multiple submitters, no conflicts (2 of 4 stars). 2 submissions from 2 submitters: Pathogenic (1); Likely pathogenic (1). Last evaluated 2025-09-19.

Conditions:
Developmental and epileptic encephalopathy, 12 (DEE12). Identifiers: MedGen C3150988, MONDO:0013389, OMIM 613722.

Allele frequency attached by ClinVar (database versions not stated): gnomAD exomes below 0.00001; TOPMed below 0.00001; gnomAD 0.00001.

Submissions (2):

Dasa
Classification: Likely pathogenic. Last evaluated: 2025-09-19. Review status: criteria provided, single submitter. Criteria: DASA Assertion Criteria. Collection method: clinical testing. Allele origin: germline.
Comment: NM_007254.4(PNKP):c.113del (p.Leu38Argfs*27) is a frameshift variant in PNKP predicted to alter the reading frame and introduce a premature termination codon and is predicted to result in an absent or altered protein product. Loss of function is an established disease mechanism for PNKP-associated disorders. Also, this variant is rare in population databases. Based on the currently available evidence, this variant is classified as likely pathogenic.

Labcorp Genetics (formerly Invitae), Labcorp
Classification: Pathogenic for Developmental and epileptic encephalopathy, 12. Last evaluated: 2022-01-05. Review status: criteria provided, single submitter. Criteria: Invitae Variant Classification Sherloc (09022015). Collection method: clinical testing. Allele origin: germline.
Comment: For these reasons, this variant has been classified as Pathogenic. This variant has not been reported in the literature in individuals affected with PNKP-related conditions. This variant is present in population databases (no rsID available, gnomAD 0.002%). This sequence change creates a premature translational stop signal (p.Leu38Argfs*27) in the PNKP gene. It is expected to result in an absent or disrupted protein product. Loss-of-function variants in PNKP are known to be pathogenic (PMID: 20118933, 25728773).

Literature cited by the submitters: PubMed 20118933 (cited by Labcorp Genetics (formerly Invitae), Labcorp); PubMed 25728773 (cited by Labcorp Genetics (formerly Invitae), Labcorp).